The following is an entry in ClinVar:

NM_001843.4(CNTN1):c.2005G>A (p.Val669Met)

Gene: CNTN1 (contactin 1; plus strand). Cytogenetic location: 12q12.
Variant type: single nucleotide variant.
Coding change: c.2005G>A on transcript NM_001843.4 (MANE Select); coding-DNA position 2005, G replaced by A.
Protein change: p.Val669Met; replaces valine 669 with methionine.
Molecular consequence: missense variant.
Genome position (GRCh38, 1-based): chr12:40,993,161, G>A. VCF-style: chr12-40993161-G-A. GRCh37 (hg19) VCF-style: chr12-41386963-G-A.
Other names: c.1972G>A, p.Val658Met (NM_175038.2); c.2005G>A (NM_001843.3); short protein forms V658M, V669M.
Identifiers: ClinVar variation 1385977 (VCV001385977.9), dbSNP rs777561409, ClinGen allele CA6517029.

ClinVar aggregate classification (germline): Uncertain significance. Review status: criteria provided, multiple submitters, no conflicts (2 of 4 stars). 2 submissions from 2 submitters: Uncertain significance (2). Last evaluated 2024-07-24.

Conditions:
Compton-North congenital myopathy (CMYO12). Identifiers: Orphanet 210163, MedGen C2675527, MONDO:0012929, OMIM 612540.

Allele frequency attached by ClinVar (database versions not stated): TOPMed below 0.00001; gnomAD exomes 0.00001; ExAC 0.00002.
gnomAD v4.1: 15 of 1,613,718 alleles (0.00093%); highest among the groups gnomAD compares: South Asian, 0.016%; no homozygotes.

Submissions (2):

Labcorp Genetics (formerly Invitae), Labcorp
Classification: Uncertain significance for Compton-North congenital myopathy. Last evaluated: 2024-07-24. Review status: criteria provided, single submitter. Criteria: Invitae Variant Classification Sherloc (09022015). Collection method: clinical testing. Allele origin: germline.
Comment: This sequence change replaces valine, which is neutral and non-polar, with methionine, which is neutral and non-polar, at codon 669 of the CNTN1 protein (p.Val669Met). This variant is present in population databases (rs777561409, gnomAD 0.01%). This variant has not been reported in the literature in individuals affected with CNTN1-related conditions. ClinVar contains an entry for this variant (Variation ID: 1385977). Advanced modeling of protein sequence and biophysical properties (such as structural, functional, and spatial information, amino acid conservation, physicochemical variation, residue mobility, and thermodynamic stability) performed at Invitae indicates that this missense variant is not expected to disrupt CNTN1 protein function with a negative predictive value of 95%. In summary, the available evidence is currently insufficient to determine the role of this variant in disease. Therefore, it has been classified as a Variant of Uncertain Significance.

Revvity Omics, Revvity
Classification: Uncertain significance for Compton-North congenital myopathy. Last evaluated: 2019-01-11. Review status: criteria provided, single submitter. Criteria: ACMG Guidelines, 2015. Collection method: clinical testing. Allele origin: germline.